The following is an entry in ClinVar:

NM_133642.5(LARGE1):c.969G>T (p.Glu323Asp)

Gene: LARGE1 (LARGE xylosyl- and glucuronyltransferase 1; minus strand). Cytogenetic location: 22q12.3.
Variant type: single nucleotide variant.
Coding change: c.969G>T on transcript NM_133642.5 (MANE Select); coding-DNA position 969, G replaced by T.
Protein change: p.Glu323Asp; replaces glutamic acid 323 with aspartic acid.
Molecular consequence: missense variant.
Genome position (GRCh38, 1-based): chr22:33,384,228, C>A on the plus strand (G>T on the coding strand, the complement: LARGE1 is on the minus strand). VCF-style: chr22-33384228-C-A. GRCh37 (hg19) VCF-style: chr22-33780214-C-A.
Other names: c.969G>T, p.Glu323Asp (NM_001362949.2, NM_001362951.2, NM_001362953.2 and 7 more transcripts); c.366G>T, p.Glu122Asp (NM_001378630.1, NM_001378631.1); short protein forms E323D, E122D.
Identifiers: ClinVar variation 935931 (VCV000935931.7), dbSNP rs2065251813, ClinGen allele CA411545095.

ClinVar aggregate classification (germline): Uncertain significance (1 of 4 stars; one submission).

Conditions:
Muscular dystrophy-dystroglycanopathy type B6 (MDDGB6). Also called: MUSCULAR DYSTROPHY, CONGENITAL, LARGE-RELATED; MUSCULAR DYSTROPHY, CONGENITAL, TYPE 1D; MUSCULAR DYSTROPHY-DYSTROGLYCANOPATHY (CONGENITAL WITH IMPAIRED INTELLECTUAL DEVELOPMENT), TYPE B, 6. Identifiers: MedGen C1837229, MONDO:0012138, OMIM 608840.

Submission:

Labcorp Genetics (formerly Invitae), Labcorp
Classification: Uncertain significance for Muscular dystrophy-dystroglycanopathy type B6. Last evaluated: 2021-08-31. Review status: criteria provided, single submitter. Criteria: Invitae Variant Classification Sherloc (09022015). Collection method: clinical testing. Allele origin: germline.
Comment: This sequence change replaces glutamic acid with aspartic acid at codon 323 of the LARGE1 protein (p.Glu323Asp). The glutamic acid residue is highly conserved and there is a small physicochemical difference between glutamic acid and aspartic acid. This variant is not present in population databases (ExAC no frequency). This variant has not been reported in the literature in individuals affected with LARGE1-related conditions. Algorithms developed to predict the effect of missense changes on protein structure and function are either unavailable or do not agree on the potential impact of this missense change (SIFT: "Tolerated"; PolyPhen-2: "Possibly Damaging"; Align-GVGD: "Class C0"). In summary, the available evidence is currently insufficient to determine the role of this variant in disease. Therefore, it has been classified as a Variant of Uncertain Significance.